The following is an entry in ClinVar:

NM_001354483.2(CSGALNACT1):c.40C>A (p.Arg14=)

Gene: CSGALNACT1 (chondroitin sulfate N-acetylgalactosaminyltransferase 1; minus strand). Cytogenetic location: 8p21.3.
Variant type: single nucleotide variant.
Coding change: c.40C>A on transcript NM_001354483.2 (MANE Select); coding-DNA position 40, C replaced by A.
Protein change: p.Arg14=; no amino-acid change (arginine 14 retained).
Molecular consequence: synonymous variant. On other transcripts: non-coding transcript variant (7).
Genome position (GRCh38, 1-based): chr8:19,505,795, G>T on the plus strand (C>A on the coding strand, the complement: CSGALNACT1 is on the minus strand). VCF-style: chr8-19505795-G-T. GRCh37 (hg19) VCF-style: chr8-19363306-G-T.
Other names: c.40C>A, p.Arg14= (NM_001130518.2, NM_001354475.2, NM_001354476.2 and 18 more transcripts).
Identifiers: ClinVar variation 1404067 (VCV001404067.29), dbSNP rs117494579, ClinGen allele CA4654378.

ClinVar aggregate classification (germline): Likely benign. Review status: criteria provided, multiple submitters, no conflicts (2 of 4 stars). 2 submissions from 2 submitters: Likely benign (2). Last evaluated 2024-07-23.

gnomAD v4.1: 8 of 1,613,598 alleles (0.0005%); highest among the groups gnomAD compares: Non-Finnish European, 0.00051%; no homozygotes.

Submissions (2):

Labcorp Genetics (formerly Invitae), Labcorp
Classification: Likely benign. Last evaluated: 2024-07-23. Review status: criteria provided, single submitter. Criteria: Invitae Variant Classification Sherloc (09022015). Collection method: clinical testing. Allele origin: germline.

CeGaT Center for Human Genetics Tuebingen
Classification: Likely benign. Last evaluated: 2023-08-01. Review status: criteria provided, single submitter. Criteria: CeGaT Center For Human Genetics Tuebingen Variant Classification Criteria Version 2. Collection method: clinical testing. Allele origin: germline. Affected: yes. Observed: 1 variant allele.
Comment: CSGALNACT1: BP4, BP7